The following is an entry in ClinVar:

NM_206937.2(LIG4):c.2266C>A (p.Arg756Ser)

Gene: LIG4 (DNA ligase 4; minus strand). Cytogenetic location: 13q33.3.
Variant type: single nucleotide variant.
Coding change: c.2266C>A on transcript NM_206937.2 (MANE Select); coding-DNA position 2266, C replaced by A.
Protein change: p.Arg756Ser; replaces arginine 756 with serine.
Molecular consequence: missense variant.
Genome position (GRCh38, 1-based): chr13:108,209,003, G>T on the plus strand (C>A on the coding strand, the complement: LIG4 is on the minus strand). VCF-style: chr13-108209003-G-T. GRCh37 (hg19) VCF-style: chr13-108861351-G-T.
Other names: c.2266C>A, p.Arg756Ser (NM_001098268.2, NM_001352598.2, NM_001352599.2 and 6 more transcripts); c.2065C>A, p.Arg689Ser (NM_001330595.2); c.2302C>A, p.Arg768Ser (NM_001352604.2); short protein forms R689S, R756S, R768S.
Identifiers: ClinVar variation 1362914 (VCV001362914.5), dbSNP rs557203390, ClinGen allele CA7043536.

ClinVar aggregate classification (germline): Uncertain significance. Review status: criteria provided, multiple submitters, no conflicts (2 of 4 stars). 2 submissions from 2 submitters: Uncertain significance (2). Last evaluated 2025-11-26.

Conditions:
Inborn genetic diseases. Identifiers: MedGen C0950123, MeSH D030342.
DNA ligase IV deficiency. Identifiers: Orphanet 99812, MedGen C1847827, MONDO:0011686, OMIM 606593.

gnomAD v4.1: 63 of 1,613,894 alleles (0.0039%); highest among the groups gnomAD compares: Middle Eastern, 0.016%; no homozygotes.

Submissions (2):

Ambry Genetics
Classification: Uncertain significance for Inborn genetic diseases. Last evaluated: 2025-11-26. Review status: criteria provided, single submitter. Criteria: Ambry Variant Classification Scheme 2023. Collection method: clinical testing. Allele origin: germline.

Labcorp Genetics (formerly Invitae), Labcorp
Classification: Uncertain significance for DNA ligase IV deficiency. Last evaluated: 2024-05-02. Review status: criteria provided, single submitter. Criteria: Invitae Variant Classification Sherloc (09022015). Collection method: clinical testing. Allele origin: germline.
Comment: This sequence change replaces arginine, which is basic and polar, with serine, which is neutral and polar, at codon 756 of the LIG4 protein (p.Arg756Ser). This variant is present in population databases (rs557203390, gnomAD 0.008%). This variant has not been reported in the literature in individuals affected with LIG4-related conditions. ClinVar contains an entry for this variant (Variation ID: 1362914). Advanced modeling of protein sequence and biophysical properties (such as structural, functional, and spatial information, amino acid conservation, physicochemical variation, residue mobility, and thermodynamic stability) performed at Invitae indicates that this missense variant is not expected to disrupt LIG4 protein function with a negative predictive value of 95%. In summary, the available evidence is currently insufficient to determine the role of this variant in disease. Therefore, it has been classified as a Variant of Uncertain Significance.